The following is an entry in ClinVar:

ClinVar aggregate classification (germline): Uncertain significance (1 of 4 stars; one submission).

Conditions:
Infantile spasms. Also called: Infantile spasm. Identifiers: MedGen C3887898, HP:0012469.

gnomAD v4.1: 1 of 1,598,956 alleles (0.000063%); highest among the groups gnomAD compares: Non-Finnish European, 0.000086%; no homozygotes.

Submission:

Labcorp Genetics (formerly Invitae), Labcorp
Classification: Uncertain significance for Infantile spasms. Last evaluated: 2025-11-06. Review status: criteria provided, single submitter. Criteria: Invitae Variant Classification Sherloc (09022015). Collection method: clinical testing. Allele origin: germline.
Comment: This sequence change replaces valine, which is neutral and non-polar, with aspartic acid, which is acidic and polar, at codon 557 of the PIK3AP1 protein (p.Val557Asp). This variant is not present in population databases (gnomAD no frequency). This variant has not been reported in the literature in individuals affected with PIK3AP1-related conditions. An algorithm developed to predict the effect of missense changes on protein structure and function (PolyPhen-2) suggests that this variant is likely to be disruptive. In summary, the available evidence is currently insufficient to determine the role of this variant in disease. Therefore, it has been classified as a Variant of Uncertain Significance.

NM_152309.3(PIK3AP1):c.1670T>A (p.Val557Asp)

Gene: PIK3AP1 (phosphoinositide-3-kinase adaptor protein 1; minus strand). Cytogenetic location: 10q24.1.
Variant type: single nucleotide variant.
Coding change: c.1670T>A on transcript NM_152309.3 (MANE Select); coding-DNA position 1670, T replaced by A.
Protein change: p.Val557Asp; replaces valine 557 with aspartic acid.
Molecular consequence: missense variant.
Genome position (GRCh38, 1-based): chr10:96,623,537, A>T on the plus strand (T>A on the coding strand, the complement: PIK3AP1 is on the minus strand). VCF-style: chr10-96623537-A-T. GRCh37 (hg19) VCF-style: chr10-98383294-A-T.
Other names: short protein forms V557D.
Identifiers: ClinVar variation 4774095 (VCV004774095.1).